The following is an entry in ClinVar:

NM_002816.5(PSMD12):c.1161+3A>T

Gene: PSMD12 (proteasome 26S subunit, non-ATPase 12; minus strand). Cytogenetic location: 17q24.2.
Variant type: single nucleotide variant.
Coding change: c.1161+3A>T on transcript NM_002816.5 (MANE Select); 3 bases into the intron after coding-DNA position 1161, A replaced by T.
Molecular consequence: intron variant.
Genome position (GRCh38, 1-based): chr17:67,342,183, T>A on the plus strand (A>T on the coding strand, the complement: PSMD12 is on the minus strand). VCF-style: chr17-67342183-T-A. GRCh37 (hg19) VCF-style: chr17-65338299-T-A.
Other names: c.1101+3A>T (NM_174871.4); c.984+3A>T (NM_001316341.2).
Identifiers: ClinVar variation 4538817 (VCV004538817.1).

ClinVar aggregate classification (germline): Uncertain significance (1 of 4 stars; one submission).

Submission:

GeneDx
Classification: Uncertain significance. Last evaluated: 2025-06-21. Review status: criteria provided, single submitter. Criteria: GeneDx Variant Classification Process June 2021. Collection method: clinical testing. Allele origin: germline. Affected: yes.
Comment: Not observed at significant frequency in large population cohorts (gnomAD); In silico analysis is inconclusive as to whether the variant alters gene splicing. In the absence of RNA/functional studies, the actual effect of this sequence change is unknown.; Has not been previously published as pathogenic or benign to our knowledge